The following is an entry in ClinVar:

NM_006254.4(PRKCD):c.2030G>T (p.Ter677Leu)

Genes: PRKCD (protein kinase C delta; plus strand), LOC129936899 (ATAC-STARR-seq lymphoblastoid active region 19967; plus strand). Cytogenetic location: 3p21.1.
Variant type: single nucleotide variant.
Coding change: c.2030G>T on transcript NM_006254.4 (MANE Select); coding-DNA position 2030, G replaced by T.
Protein change: p.Ter677Leu.
Molecular consequence: stop lost.
Genome position (GRCh38, 1-based): chr3:53,192,265, G>T. VCF-style: chr3-53192265-G-T. GRCh37 (hg19) VCF-style: chr3-53226281-G-T.
Other names: c.2030G>T, p.Ter677Leu (NM_001316327.2, NM_001354679.2, NM_001354680.2 and 1 more transcripts); c.2087G>T, p.Ter696Leu (NM_001354676.2); c.2078G>T, p.Ter693Leu (NM_001354678.2).
Identifiers: ClinVar variation 1479319 (VCV001479319.6), dbSNP rs2107293797, ClinGen allele CA353225646.

ClinVar aggregate classification (germline): Uncertain significance (1 of 4 stars; one submission).

Conditions:
Autoimmune lymphoproliferative syndrome, type III caused by mutation in PRKCD. Identifiers: Orphanet 3261, Orphanet 664711, MedGen C3809928, MONDO:8000024, OMIM 615559.

Submission:

Labcorp Genetics (formerly Invitae), Labcorp
Classification: Uncertain significance for Autoimmune lymphoproliferative syndrome, type III caused by mutation in PRKCD. Last evaluated: 2022-06-27. Review status: criteria provided, single submitter. Criteria: Invitae Variant Classification Sherloc (09022015). Collection method: clinical testing. Allele origin: germline.
Comment: This variant has not been reported in the literature in individuals affected with PRKCD-related conditions. This variant is not present in population databases (gnomAD no frequency). This sequence change disrupts the translational stop signal of the PRKCD mRNA. It is expected to extend the length of the PRKCD protein by 83 additional amino acid residues. In summary, the available evidence is currently insufficient to determine the role of this variant in disease. Therefore, it has been classified as a Variant of Uncertain Significance.